The following is an entry in ClinVar:

NM_001458.5(FLNC):c.5566_5567delinsAA (p.Ala1856Asn)

Genes: FLNC (filamin C; plus strand), FLNC-AS1 (FLNC antisense RNA 1; minus strand). Cytogenetic location: 7q32.1.
Variant type: Indel.
Coding change: c.5566_5567delinsAA on transcript NM_001458.5 (MANE Select); coding-DNA positions 5566 to 5567, GC replaced by AA.
Protein change: p.Ala1856Asn; replaces alanine 1856 with asparagine.
Molecular consequence: missense variant.
Genome position (GRCh38, 1-based): chr7:128,851,258-128,851,259, GC replaced by AA. VCF-style: chr7-128851258-GC-AA. GRCh37 (hg19) VCF-style: chr7-128491312-GC-AA.
Other names: c.5467_5468delinsAA, p.Ala1823Asn (NM_001127487.2); short protein forms A1823N, A1856N.
Identifiers: ClinVar variation 4812476 (VCV004812476.1).

ClinVar aggregate classification (germline): Uncertain significance (1 of 4 stars; one submission).

Conditions:
Hypertrophic cardiomyopathy 26. Also called: Cardiomyopathy, familial hypertrophic, 26. Identifiers: Orphanet 75249, MedGen C4310749, MONDO:0014883, OMIM 617047.
Myofibrillar myopathy 5. Also called: Filaminopathy (type); FILAMINOPATHY, AUTOSOMAL DOMINANT. Identifiers: Orphanet 171445, MedGen C1836050, MONDO:0012289, OMIM 609524.
Distal myopathy with posterior leg and anterior hand involvement. Also called: WILLIAMS DISTAL MYOPATHY. Identifiers: Orphanet 63273, MedGen C3279722, MONDO:0013550, OMIM 614065.

Submission:

Labcorp Genetics (formerly Invitae), Labcorp
Classification: Uncertain significance for Distal myopathy with posterior leg and anterior hand involvement; Myofibrillar myopathy 5; Hypertrophic cardiomyopathy 26. Last evaluated: 2025-05-01. Review status: criteria provided, single submitter. Criteria: Invitae Variant Classification Sherloc (09022015). Collection method: clinical testing. Allele origin: germline.
Comment: This sequence change replaces alanine, which is neutral and non-polar, with asparagine, which is neutral and polar, at codon 1856 of the FLNC protein (p.Ala1856Asn). Information on the frequency of this variant in the gnomAD database is not available, as this variant may be reported differently in the database. This variant has not been reported in the literature in individuals affected with FLNC-related conditions. An algorithm developed to predict the effect of missense changes on protein structure and function (PolyPhen-2) suggests that this variant is likely to be disruptive. In summary, the available evidence is currently insufficient to determine the role of this variant in disease. Therefore, it has been classified as a Variant of Uncertain Significance.